The following is an entry in ClinVar:

ClinVar aggregate classification (germline): Conflicting classifications of pathogenicity. Review status: criteria provided, conflicting classifications (1 of 4 stars). 2 submissions from 2 submitters: Uncertain significance (1); Likely benign (1). Last evaluated 2025-08-07.

Conditions:
Renal cell carcinoma. Identifiers: Orphanet 217071, MedGen C0007134, MeSH D002292, MONDO:0005086, HP:0005584.
Hereditary cancer-predisposing syndrome. Also called: Hereditary Cancer Syndrome; Tumor predisposition; Hereditary neoplastic syndrome; Neoplastic Syndromes, Hereditary. Identifiers: Orphanet 140162, MedGen C0027672, MeSH D009386, MONDO:0015356.

Allele frequency attached by ClinVar (database versions not stated): gnomAD exomes 0.00001.
gnomAD v4.1: 3 of 1,614,152 alleles (0.00019%); highest among the groups gnomAD compares: Admixed American, 0.005%; no homozygotes.

Submissions (2):

Labcorp Genetics (formerly Invitae), Labcorp
Classification: Uncertain significance for Renal cell carcinoma. Last evaluated: 2025-08-07. Review status: criteria provided, single submitter. Criteria: Invitae Variant Classification Sherloc (09022015). Collection method: clinical testing. Allele origin: germline.
Comment: This sequence change replaces serine, which is neutral and polar, with glycine, which is neutral and non-polar, at codon 435 of the MET protein (p.Ser435Gly). This variant is present in population databases (no rsID available, gnomAD 0.009%). This variant has not been reported in the literature in individuals affected with MET-related conditions. ClinVar contains an entry for this variant (Variation ID: 1041854). Invitae Evidence Modeling of protein sequence and biophysical properties (such as structural, functional, and spatial information, amino acid conservation, physicochemical variation, residue mobility, and thermodynamic stability) indicates that this missense variant is not expected to disrupt MET protein function with a negative predictive value of 80%. In summary, the available evidence is currently insufficient to determine the role of this variant in disease. Therefore, it has been classified as a Variant of Uncertain Significance.

Ambry Genetics
Classification: Likely benign for Hereditary cancer-predisposing syndrome. Last evaluated: 2024-03-27. Review status: criteria provided, single submitter. Criteria: Ambry Variant Classification Scheme 2023. Collection method: clinical testing. Allele origin: germline.

NM_000245.4(MET):c.1303A>G (p.Ser435Gly)

Gene: MET (MET proto-oncogene, receptor tyrosine kinase; plus strand). Cytogenetic location: 7q31.2.
Variant type: single nucleotide variant.
Coding change: c.1303A>G on transcript NM_000245.4 (MANE Select); coding-DNA position 1303, A replaced by G.
Protein change: p.Ser435Gly; replaces serine 435 with glycine.
Molecular consequence: missense variant.
Genome position (GRCh38, 1-based): chr7:116,731,770, A>G. VCF-style: chr7-116731770-A-G. GRCh37 (hg19) VCF-style: chr7-116371824-A-G.
Other names: c.1303A>G, p.Ser435Gly (NM_001127500.3, NM_001324401.3); c.13A>G, p.Ser5Gly (NM_001324402.2); c.1303A>G (NM_001127500.1); short protein forms S5G, S435G.
Identifiers: ClinVar variation 1041854 (VCV001041854.9), dbSNP rs1186230260, ClinGen allele CA368972886.